The following is an entry in ClinVar:

ClinVar aggregate classification (germline): Pathogenic. Review status: criteria provided, multiple submitters, no conflicts (2 of 4 stars). 13 submissions from 13 submitters: Pathogenic (12). 1 of the submissions does not count toward it. Last evaluated 2025-09-19.

Conditions:
Retinitis pigmentosa 59 (RP59). Identifiers: Orphanet 791, MedGen C3151227, MONDO:0013468, OMIM 613861.
DHDDS-related disorders.
Developmental delay and seizures with or without movement abnormalities. Identifiers: MedGen C4693376, MONDO:0044326, OMIM 617836.

Submissions (13):

Variantyx, Inc.
Classification: Pathogenic for Developmental delay and seizures with or without movement abnormalities. Last evaluated: 2025-09-19. Review status: criteria provided, single submitter. Criteria: Variantyx Assertion Criteria 2022. Collection method: clinical testing. Allele origin: germline. Inheritance: Autosomal dominant inheritance. Affected: yes.
Comment: This is a nonsynonymous variant in the DHDDS gene (OMIM: 608172). Pathogenic variants in this gene have been associated with autosomal dominant developmental delay and seizures with or without movement abnormalities. This variant likely occurred de novo in individual(s) reported in the published literature; however, the possibility of parental germline mosaicism cannot be excluded (PMID: 29100083, 31440733, 33798445) (PS2). Multiple computational algorithms predict a deleterious effect for this variant (REVEL score: 0.889) (PP3). This variant is absent from control populations (PM2). Based on the current evidence, this variant is classified as pathogenic for autosomal dominant developmental delay and seizures with or without movement abnormalities.

Women's Health and Genetics/Laboratory Corporation of America, LabCorp
Classification: Pathogenic for Developmental delay and seizures with or without movement abnormalities. Last evaluated: 2024-09-06. Review status: criteria provided, single submitter. Criteria: LabCorp Variant Classification Summary - May 2015. Collection method: clinical testing. Allele origin: germline.
Comment: Variant summary: DHDDS c.632G>A (p.Arg211Gln) results in a conservative amino acid change in the encoded protein sequence. Four of five in-silico tools predict a damaging effect of the variant on protein function. The variant was absent in 251468 control chromosomes. c.632G>A has been reported in the literature in individuals affected with Developmental and epileptic encephalopathy and were reported as de novo (examples: Hamdan_2017, Courage_2021, Kim_2022). These data indicate that the variant is very likely associated with the disease. The following publications have been ascertained in the context of this evaluation (PMID: 33798445, 29100083, 35719373). ClinVar contains an entry for this variant (Variation ID: 488193). Based on the evidence outlined above, the variant was classified as pathogenic.

Labcorp Genetics (formerly Invitae), Labcorp
Classification: Pathogenic for Retinitis pigmentosa 59. Last evaluated: 2024-06-04. Review status: criteria provided, single submitter. Criteria: Invitae Variant Classification Sherloc (09022015). Collection method: clinical testing. Allele origin: germline.
Comment: This sequence change replaces arginine, which is basic and polar, with glutamine, which is neutral and polar, at codon 211 of the DHDDS protein (p.Arg211Gln). This variant is not present in population databases (gnomAD no frequency). This missense change has been observed in individual(s) with autosomal dominant developmental and epileptic encephalopathy (PMID: 29100083, 31440733). In at least one individual the variant was observed to be de novo. ClinVar contains an entry for this variant (Variation ID: 488193). Advanced modeling of protein sequence and biophysical properties (such as structural, functional, and spatial information, amino acid conservation, physicochemical variation, residue mobility, and thermodynamic stability) performed at Invitae indicates that this missense variant is expected to disrupt DHDDS protein function with a positive predictive value of 80%. For these reasons, this variant has been classified as Pathogenic.

3billion
Classification: Pathogenic for Developmental delay and seizures with or without movement abnormalities. Last evaluated: 2023-12-15. Review status: criteria provided, single submitter. Criteria: ACMG Guidelines, 2015. Collection method: clinical testing. Allele origin: germline. Affected: yes.
Comment: The variant is not observed in the gnomAD v2.1.1 dataset. Predicted Consequence/Location: Missense variant In silico tool predictions suggest damaging effect of the variant on gene or gene product [REVEL: 0.89 (>=0.6, sensitivity 0.68 and specificity 0.92); 3Cnet: 0.73 (>=0.6, sensitivity 0.72 and precision 0.9)]. Same nucleotide change resulting in same amino acid change has been previously reported as pathogenic/likely pathogenic with strong evidence (ClinVar ID: VCV000488193 /PMID: 29100083).The variant has been previously reported as de novo in a similarly affected individual (PMID: 29100083, 29100083).The variant has been previously reported as assumed (i.e. paternity and maternity not confirmed) de novo in at least one similarly affected unrelated individual (3billion dataset). Therefore, this variant is classified as Pathogenic according to the recommendation of ACMG/AMP guideline.

Blueprint Genetics
Classification: Pathogenic for DHDDS-related disorders. Last evaluated: 2022-11-24. Review status: criteria provided, single submitter. Criteria: ACMG Guidelines, 2015. Collection method: clinical testing. Allele origin: germline. Affected: yes. Observed: 1 variant allele.

GeneDx
Classification: Pathogenic. Last evaluated: 2022-03-14. Review status: criteria provided, single submitter. Criteria: GeneDx Variant Classification Process June 2021. Collection method: clinical testing. Allele origin: germline. Affected: yes.
Comment: In silico analysis supports that this missense variant has a deleterious effect on protein structure/function; Not observed at significant frequency in large population cohorts (gnomAD); This variant is associated with the following publications: (PMID: 31036916, 29100083, 31440733, 32654954, 32817466, 31661879, 33077723, 33798445, 34504728, 32901917, 27535533)

Mendelics
Classification: Pathogenic for Developmental delay and seizures with or without movement abnormalities. Last evaluated: 2020-07-29. Review status: criteria provided, single submitter. Criteria: Mendelics Assertion Criteria 2017. Collection method: clinical testing. Allele origin: unknown.

CeGaT Center for Human Genetics Tuebingen
Classification: Pathogenic. Last evaluated: 2020-02-01. Review status: criteria provided, single submitter. Criteria: CeGaT Center For Human Genetics Tuebingen Variant Classification Criteria Version 2. Collection method: clinical testing. Allele origin: germline. Affected: yes. Observed: 1 variant allele.

Institute of Human Genetics Munich, TUM University Hospital
Classification: Pathogenic for Developmental delay and seizures with or without movement abnormalities. Last evaluated: 2020-01-16. Review status: criteria provided, single submitter. Criteria: Classification criteria August 2017. Collection method: clinical testing. Allele origin: de novo. Inheritance: Autosomal dominant inheritance. Affected: yes. Observed: 1 heterozygote.

Revvity Omics, Revvity
Classification: Pathogenic. Last evaluated: 2019-12-24. Review status: criteria provided, single submitter. Criteria: ACMG Guidelines, 2015. Collection method: clinical testing. Allele origin: germline.

Institute of Human Genetics, University of Leipzig Medical Center
Classification: Pathogenic for Developmental delay and seizures with or without movement abnormalities. Last evaluated: 2018-07-12. Review status: criteria provided, single submitter. Criteria: ACMG Guidelines, 2015. Collection method: clinical testing. Allele origin: germline. Affected: yes. Observed: 1 variant allele.

Clinical Genetics Service, Universitary Hospital 12 de Octubre
Classification: Pathogenic for Developmental delay and seizures with or without movement abnormalities. Review status: criteria provided, single submitter. Criteria: ACMG Guidelines, 2015. Collection method: clinical testing. Allele origin: de novo. Affected: yes.

OMIM
Classification: Pathogenic for DEVELOPMENTAL DELAY AND SEIZURES WITH OR WITHOUT MOVEMENT ABNORMALITIES. Last evaluated: 2018-01-24. Review status: no assertion criteria provided. Collection method: literature only. Allele origin: germline. Not counted in ClinVar's aggregate classification.

Literature cited by the submitters: PubMed 29100083 (cited by 5 submitters); PubMed 31440733 (cited by Variantyx, Inc. and Labcorp Genetics (formerly Invitae), Labcorp); PubMed 33798445 (cited by Variantyx, Inc. and Women's Health and Genetics/Laboratory Corporation of America, LabCorp); PubMed 35719373 (cited by Women's Health and Genetics/Laboratory Corporation of America, LabCorp).

NM_205861.3(DHDDS):c.632G>A (p.Arg211Gln)

Gene: DHDDS (dehydrodolichyl diphosphate synthase subunit; plus strand). Cytogenetic location: 1p36.11.
Variant type: single nucleotide variant.
Coding change: c.632G>A on transcript NM_205861.3 (MANE Select); coding-DNA position 632, G replaced by A.
Protein change: p.Arg211Gln; replaces arginine 211 with glutamine.
Molecular consequence: missense variant.
Genome position (GRCh38, 1-based): chr1:26,457,880, G>A. VCF-style: chr1-26457880-G-A. GRCh37 (hg19) VCF-style: chr1-26784371-G-A.
Other names: c.530G>A, p.Arg177Gln (NM_001243564.2); c.515G>A, p.Arg172Gln (NM_001243565.2); c.353G>A, p.Arg118Gln (NM_001319959.2); c.632G>A, p.Arg211Gln (NM_024887.4); short protein forms R211Q, R118Q, R172Q, R177Q.
Identifiers: ClinVar variation 488193 (VCV000488193.66), dbSNP rs1553122926, ClinGen allele CA339144815.